The following is an entry in ClinVar:

NM_006206.6(PDGFRA):c.3122+5C>T

Gene: PDGFRA (platelet derived growth factor receptor alpha; plus strand). Cytogenetic location: 4q12.
Variant type: single nucleotide variant.
Coding change: c.3122+5C>T on transcript NM_006206.6 (MANE Select); 5 bases into the intron after coding-DNA position 3122, C replaced by T.
Molecular consequence: intron variant.
Genome position (GRCh38, 1-based): chr4:54,290,559, C>T. VCF-style: chr4-54290559-C-T. GRCh37 (hg19) VCF-style: chr4-55156726-C-T.
Other names: c.3197+5C>T (NM_001347828.2); c.3122+5C>T (NM_001347829.2); c.3161+5C>T (NM_001347830.2).
Identifiers: ClinVar variation 407403 (VCV000407403.11), dbSNP rs1060501508, ClinGen allele CA16611503.

ClinVar aggregate classification (germline): Uncertain significance. Review status: criteria provided, multiple submitters, no conflicts (2 of 4 stars). 2 submissions from 2 submitters: Uncertain significance (2). Last evaluated 2025-08-25.

Conditions:
Hereditary cancer-predisposing syndrome. Also called: Neoplastic Syndromes, Hereditary; Hereditary Cancer Syndrome; Hereditary neoplastic syndrome; Tumor predisposition. Identifiers: Orphanet 140162, MedGen C0027672, MeSH D009386, MONDO:0015356.
Gastrointestinal stromal tumor. Also called: Gastrointestinal stromal tumor, somatic; Gastrointestinal stroma tumor. Identifiers: Orphanet 44890, MedGen C0238198, MeSH D046152, MONDO:0011719, OMIM 606764, HP:0100723.

Submissions (2):

Labcorp Genetics (formerly Invitae), Labcorp
Classification: Uncertain significance for Gastrointestinal stromal tumor. Last evaluated: 2025-08-25. Review status: criteria provided, single submitter. Criteria: Invitae Variant Classification Sherloc (09022015). Collection method: clinical testing. Allele origin: germline.
Comment: This sequence change falls in intron 22 of the PDGFRA gene. It does not directly change the encoded amino acid sequence of the PDGFRA protein. It affects a nucleotide within the consensus splice site. This variant is not present in population databases (gnomAD no frequency). This variant has not been reported in the literature in individuals affected with PDGFRA-related conditions. ClinVar contains an entry for this variant (Variation ID: 407403). Variants that disrupt the consensus splice site are a relatively common cause of aberrant splicing (PMID: 17576681, 9536098). Algorithms developed to predict the effect of sequence changes on RNA splicing suggest that this variant is not likely to affect RNA splicing. In summary, the available evidence is currently insufficient to determine the role of this variant in disease. Therefore, it has been classified as a Variant of Uncertain Significance.

Ambry Genetics
Classification: Uncertain significance for Hereditary cancer-predisposing syndrome. Last evaluated: 2025-05-28. Review status: criteria provided, single submitter. Criteria: Ambry Variant Classification Scheme 2023. Collection method: clinical testing. Allele origin: germline.
Comment: The c.3122+5C>T intronic variant results from a C to T substitution 5 nucleotides after coding exon 21 in the PDGFRA gene. This nucleotide position is not well conserved in available vertebrate species. In silico splice site analysis predicts that this alteration will not have any significant effect on splicing. Based on the available evidence, the clinical significance of this variant remains unclear.

Literature cited by the submitters: PubMed 17576681 (cited by Labcorp Genetics (formerly Invitae), Labcorp); PubMed 9536098 (cited by Labcorp Genetics (formerly Invitae), Labcorp).